The following is an entry in ClinVar:

NM_177438.3(DICER1):c.4465T>G (p.Leu1489Val)

Gene: DICER1 (dicer 1, ribonuclease III; minus strand). Cytogenetic location: 14q32.13.
Variant type: single nucleotide variant.
Coding change: c.4465T>G on transcript NM_177438.3 (MANE Select); coding-DNA position 4465, T replaced by G.
Protein change: p.Leu1489Val; replaces leucine 1489 with valine.
Molecular consequence: missense variant.
Genome position (GRCh38, 1-based): chr14:95,096,455, A>C on the plus strand (T>G on the coding strand, the complement: DICER1 is on the minus strand). VCF-style: chr14-95096455-A-C. GRCh37 (hg19) VCF-style: chr14-95562792-A-C.
Other names: c.4465T>G, p.Leu1489Val (NM_001195573.1, NM_001271282.3, NM_001291628.2 and 1 more transcripts); short protein forms L1489V.
Identifiers: ClinVar variation 1368676 (VCV001368676.9), dbSNP rs2139849904, ClinGen allele CA390868295.
Genomic context (GRCh38, chr14:95,096,455, plus strand): 5'-TTGCATCCCAAGAGCTGTAGTCAAAATCCTCAAAATCTGATGAAAATGGCATACTACCTA[A>C]GGAGGATTTTTTGGGCATTTTCCATTCATATGCAGAATCAGTGGTTGAAAAAGGAGAAAG-3'
Protein context (NP_803187.1, residues 1479-1499): YEWKMPKKSS[Leu1489Val]GSMPFSSDFE

ClinVar aggregate classification (germline): Uncertain significance (1 of 4 stars; one submission).

Conditions:
DICER1-related tumor predisposition. Also called: DICER1-related pleuropulmonary blastoma cancer predisposition syndrome; DICER1 syndrome. Identifiers: Orphanet 284343, MedGen C3839822, MONDO:0100216.

Submission:

Labcorp Genetics (formerly Invitae), Labcorp
Classification: Uncertain significance for DICER1-related tumor predisposition. Last evaluated: 2021-02-01. Review status: criteria provided, single submitter. Criteria: Invitae Variant Classification Sherloc (09022015). Collection method: clinical testing. Allele origin: germline.
Comment: In summary, the available evidence is currently insufficient to determine the role of this variant in disease. Therefore, it has been classified as a Variant of Uncertain Significance. Algorithms developed to predict the effect of sequence changes on RNA splicing suggest that this variant may create or strengthen a splice site, but this prediction has not been confirmed by published transcriptional studies. Algorithms developed to predict the effect of missense changes on protein structure and function (SIFT, PolyPhen-2, Align-GVGD) all suggest that this variant is likely to be tolerated, but these predictions have not been confirmed by published functional studies and their clinical significance is uncertain. This variant has not been reported in the literature in individuals with DICER1-related conditions. This variant is not present in population databases (ExAC no frequency). This sequence change replaces leucine with valine at codon 1489 of the DICER1 protein (p.Leu1489Val). The leucine residue is moderately conserved and there is a small physicochemical difference between leucine and valine.